The following is an entry in ClinVar:

NM_024426.6(WT1):c.424C>T (p.His142Tyr)

Genes: WT1 (WT1 transcription factor; minus strand), LOC107982234 (WT1/WT1-AS bi-directional promoter region; plus strand). Cytogenetic location: 11p13.
Variant type: single nucleotide variant.
Coding change: c.424C>T on transcript NM_024426.6 (MANE Select); coding-DNA position 424, C replaced by T.
Protein change: p.His142Tyr; replaces histidine 142 with tyrosine.
Molecular consequence: missense variant. On other transcripts: non-coding transcript variant (1).
Genome position (GRCh38, 1-based): chr11:32,434,937, G>A on the plus strand (C>T on the coding strand, the complement: WT1 is on the minus strand). VCF-style: chr11-32434937-G-A. GRCh37 (hg19) VCF-style: chr11-32456483-G-A.
Other names: c.424C>T, p.His142Tyr (NM_000378.6, NM_001407044.1, NM_001407045.1 and 6 more transcripts); c.409C>T, p.His137Tyr (NM_024425.2); short protein forms H137Y, H142Y.
Identifiers: ClinVar variation 1936027 (VCV001936027.5), dbSNP rs2494480202, ClinGen allele CA379965690.

ClinVar aggregate classification (germline): Uncertain significance (1 of 4 stars; one submission).

Conditions:
Drash syndrome (DDS). Also called: WILMS TUMOR AND PSEUDO- OR TRUE HERMAPHRODITISM; NEPHROPATHY, WILMS TUMOR, AND GENITAL ANOMALIES. Identifiers: Orphanet 220, MedGen C0950121, MONDO:0008682, OMIM 194080.
Frasier syndrome. Identifiers: Orphanet 347, MedGen C0950122, MeSH D052159, MONDO:0007635, OMIM 136680.
Wilms tumor 1 (WT1). Also called: Wilms tumor, somatic. Identifiers: Orphanet 654, MedGen CN033288, MONDO:0008679, OMIM 194070.
11p partial monosomy syndrome (WAGR). Also called: CHROMOSOME 11p13 DELETION SYNDROME; WAGR syndrome; WAGR Complex; WAGR Spectrum Disorder. Identifiers: Orphanet 893, MedGen C0206115, MONDO:0008681, OMIM 194072.

Submission:

Labcorp Genetics (formerly Invitae), Labcorp
Classification: Uncertain significance for Wilms tumor 1; Drash syndrome; 11p partial monosomy syndrome; Frasier syndrome. Last evaluated: 2022-06-15. Review status: criteria provided, single submitter. Criteria: Invitae Variant Classification Sherloc (09022015). Collection method: clinical testing. Allele origin: germline.
Comment: In summary, the available evidence is currently insufficient to determine the role of this variant in disease. Therefore, it has been classified as a Variant of Uncertain Significance. Algorithms developed to predict the effect of missense changes on protein structure and function are either unavailable or do not agree on the potential impact of this missense change (SIFT: "Deleterious"; PolyPhen-2: "Benign"; Align-GVGD: "Class C65"). This variant has not been reported in the literature in individuals affected with WT1-related conditions. This variant is not present in population databases (gnomAD no frequency). This sequence change replaces histidine, which is basic and polar, with tyrosine, which is neutral and polar, at codon 137 of the WT1 protein (p.His137Tyr).